The following is an entry in ClinVar:

ClinVar aggregate classification (germline): Uncertain significance (1 of 4 stars; one submission).

Conditions:
Cardiovascular phenotype. Identifiers: MedGen CN230736.

Submission:

Ambry Genetics
Classification: Uncertain significance for Cardiovascular phenotype. Last evaluated: 2025-09-17. Review status: criteria provided, single submitter. Criteria: Ambry Variant Classification Scheme 2023. Collection method: clinical testing. Allele origin: germline.
Comment: The p.S341T variant (also known as c.1021T>A), located in coding exon 8 of the TBX20 gene, results from a T to A substitution at nucleotide position 1021. The serine at codon 341 is replaced by threonine, an amino acid with similar properties. This amino acid position is conserved. In addition, the in silico prediction for this alteration is inconclusive. Based on the available evidence, the clinical significance of this variant remains unclear.

NM_001077653.2(TBX20):c.1021T>A (p.Ser341Thr)

Gene: TBX20 (T-box transcription factor 20; minus strand). Cytogenetic location: 7p14.2.
Variant type: single nucleotide variant.
Coding change: c.1021T>A on transcript NM_001077653.2 (MANE Select); coding-DNA position 1021, T replaced by A.
Protein change: p.Ser341Thr; replaces serine 341 with threonine.
Molecular consequence: missense variant.
Genome position (GRCh38, 1-based): chr7:35,202,753, A>T on the plus strand (T>A on the coding strand, the complement: TBX20 is on the minus strand). VCF-style: chr7-35202753-A-T. GRCh37 (hg19) VCF-style: chr7-35242365-A-T.
Other names: short protein forms S341T.
Identifiers: ClinVar variation 4615068 (VCV004615068.1).
Genomic context (GRCh38, chr7:35,202,753, plus strand): 5'-GCTGAAACCCAGGAAAACTGGAAGAAGATGATACCCAGGAGCTGAGAGACAAATTATCAG[A>T]TGTTGTAAAGGCTGACCCTGTAAGGAAAAACACTCATTAGACTGGAAACACTGTGTCAAT-3'
Protein context (NP_001071121.1, residues 331-351): TPNRGSAFTT[Ser341Thr]DNLSLSSWVS